The following is an entry in ClinVar:

NM_170707.4(LMNA):c.1104C>T (p.Ala368=)

Gene: LMNA (lamin A/C; plus strand). Cytogenetic location: 1q22.
Variant type: single nucleotide variant.
Coding change: c.1104C>T on transcript NM_170707.4 (MANE Select); coding-DNA position 1104, C replaced by T.
Protein change: p.Ala368=; no amino-acid change (alanine 368 retained).
Molecular consequence: synonymous variant.
Genome position (GRCh38, 1-based): chr1:156,136,068, C>T. VCF-style: chr1-156136068-C-T. GRCh37 (hg19) VCF-style: chr1-156105859-C-T.
Other names: c.768C>T, p.Ala256= (NM_001257374.3, NM_001406989.1, NM_001406998.1); c.861C>T, p.Ala287= (NM_001282624.2, NM_001406986.1, NM_001406987.1); c.1104C>T, p.Ala368= (NM_001282625.2, NM_001282626.2, NM_001406983.1 and 6 more transcripts); c.807C>T, p.Ala269= (NM_001406988.1); c.546C>T, p.Ala182= (NM_001406990.1, NM_001406993.1, NM_001406995.1 and 4 more transcripts); c.480C>T, p.Ala160= (NM_001406994.1, NM_001406999.1, NM_001407000.1 and 1 more transcripts).
Identifiers: ClinVar variation 1793300 (VCV001793300.3), dbSNP rs2527992661, ClinGen allele CA421257852.

ClinVar aggregate classification (germline): Likely benign. Review status: criteria provided, multiple submitters, no conflicts (2 of 4 stars). 2 submissions from 2 submitters: Likely benign (2). Last evaluated 2024-07-20.

Conditions:
Primary dilated cardiomyopathy (DCM). Also called: Dilated Cardiomyopathy. Identifiers: Orphanet 217604, MedGen C0007193, MeSH D002311, MONDO:0005021, HP:0001644. Inheritance: Various modes of inheritance.
Cardiovascular phenotype. Identifiers: MedGen CN230736.

Allele frequency attached by ClinVar (database versions not stated): gnomAD exomes below 0.00001.
gnomAD v4.1: 5 of 1,614,048 alleles (0.00031%); highest among the groups gnomAD compares: South Asian, 0.0011%; no homozygotes.

Submissions (2):

All of Us Research Program, National Institutes of Health
Classification: Likely benign for Primary dilated cardiomyopathy. Last evaluated: 2024-07-20. Review status: criteria provided, single submitter. Criteria: ACMG Guidelines, 2015. Collection method: clinical testing. Allele origin: germline. Inheritance: Autosomal dominant inheritance. Observed: 1 variant allele, 1 heterozygote.
Comment: This study involves interpretation of variants in research participants for the purpose of population health screening. Participant phenotype was not available at the time of variant classification. Additional details can be found in publication PMID: 35346344, PMCID: PMC8962531

Ambry Genetics
Classification: Likely benign for Cardiovascular phenotype. Last evaluated: 2021-09-26. Review status: criteria provided, single submitter. Criteria: Ambry Variant Classification Scheme 2023. Collection method: clinical testing. Allele origin: germline.